The following is an entry in ClinVar:

NM_001458.5(FLNC):c.7690A>C (p.Thr2564Pro)

Genes: FLNC-AS1 (FLNC antisense RNA 1; minus strand), FLNC (filamin C; plus strand). Cytogenetic location: 7q32.1.
Variant type: single nucleotide variant.
Coding change: c.7690A>C on transcript NM_001458.5 (MANE Select); coding-DNA position 7690, A replaced by C.
Protein change: p.Thr2564Pro; replaces threonine 2564 with proline.
Molecular consequence: missense variant.
Genome position (GRCh38, 1-based): chr7:128,857,246, A>C. VCF-style: chr7-128857246-A-C. GRCh37 (hg19) VCF-style: chr7-128497300-A-C.
Other names: c.7591A>C, p.Thr2531Pro (NM_001127487.2); short protein forms T2531P, T2564P.
Identifiers: ClinVar variation 2948229 (VCV002948229.3), dbSNP rs1809105477, ClinGen allele CA369219692.

ClinVar aggregate classification (germline): Uncertain significance (1 of 4 stars; one submission).

Conditions:
Hypertrophic cardiomyopathy 26. Also called: Cardiomyopathy, familial hypertrophic, 26. Identifiers: Orphanet 75249, MedGen C4310749, MONDO:0014883, OMIM 617047.
Myofibrillar myopathy 5. Also called: Filaminopathy (type); FILAMINOPATHY, AUTOSOMAL DOMINANT. Identifiers: Orphanet 171445, MedGen C1836050, MONDO:0012289, OMIM 609524.
Distal myopathy with posterior leg and anterior hand involvement. Also called: WILLIAMS DISTAL MYOPATHY. Identifiers: Orphanet 63273, MedGen C3279722, MONDO:0013550, OMIM 614065.

Submission:

Labcorp Genetics (formerly Invitae), Labcorp
Classification: Uncertain significance for Distal myopathy with posterior leg and anterior hand involvement; Myofibrillar myopathy 5; Hypertrophic cardiomyopathy 26. Last evaluated: 2023-05-25. Review status: criteria provided, single submitter. Criteria: Invitae Variant Classification Sherloc (09022015). Collection method: clinical testing. Allele origin: germline.
Comment: This variant is not present in population databases (gnomAD no frequency). In summary, the available evidence is currently insufficient to determine the role of this variant in disease. Therefore, it has been classified as a Variant of Uncertain Significance. Advanced modeling of protein sequence and biophysical properties (such as structural, functional, and spatial information, amino acid conservation, physicochemical variation, residue mobility, and thermodynamic stability) performed at Invitae indicates that this missense variant is not expected to disrupt FLNC protein function. This variant has not been reported in the literature in individuals affected with FLNC-related conditions. This sequence change replaces threonine, which is neutral and polar, with proline, which is neutral and non-polar, at codon 2564 of the FLNC protein (p.Thr2564Pro).